The following is an entry in ClinVar:

NM_022124.6(CDH23):c.1753-78A>T

Gene: CDH23 (cadherin related 23; plus strand). Cytogenetic location: 10q22.1.
Variant type: single nucleotide variant.
Coding change: c.1753-78A>T on transcript NM_022124.6 (MANE Select); 78 bases into the intron before coding-DNA position 1753, A replaced by T.
Molecular consequence: intron variant.
Genome position (GRCh38, 1-based): chr10:71,679,309, A>T. VCF-style: chr10-71679309-A-T. GRCh37 (hg19) VCF-style: chr10-73439066-A-T.
Other names: c.1753-78A>T (NM_001171930.2, NM_001171931.2).
Identifiers: ClinVar variation 670323 (VCV000670323.5), dbSNP rs3802717, ClinGen allele CA13332832.

ClinVar aggregate classification (germline): Benign. Review status: criteria provided, multiple submitters, no conflicts (2 of 4 stars). 4 submissions from 3 submitters: Benign (4). Last evaluated 2021-07-01.

Conditions:
Usher syndrome type 1D (USH1D). Also called: USHER SYNDROME, TYPE ID. Identifiers: Orphanet 231169, Orphanet 886, MedGen C1832845, MONDO:0010984, OMIM 601067.
Autosomal recessive nonsyndromic hearing loss 12. Also called: DEAFNESS, AUTOSOMAL RECESSIVE 12. Identifiers: Orphanet 90636, MedGen C1832394, MONDO:0011067, OMIM 601386.

Allele frequency attached by ClinVar (database versions not stated): gnomAD 0.49901 and 0.52252; 1000 Genomes Project 30x 0.52717; TOPMed 0.53251.
gnomAD v4.1: 359,720 of 602,272 alleles (60%); highest among the groups gnomAD compares: East Asian, 75%; 110,892 homozygotes.

Submissions (4):

Genome-Nilou Lab
Classification: Benign for Usher syndrome type 1D. Last evaluated: 2021-07-01. Review status: criteria provided, single submitter. Criteria: ACMG Guidelines, 2015. Collection method: clinical testing. Allele origin: germline. Affected: no.

Genome-Nilou Lab
Classification: Benign for Autosomal recessive nonsyndromic hearing loss 12. Last evaluated: 2021-07-01. Review status: criteria provided, single submitter. Criteria: ACMG Guidelines, 2015. Collection method: clinical testing. Allele origin: germline. Affected: no.

GeneDx
Classification: Benign. Last evaluated: 2018-06-13. Review status: criteria provided, single submitter. Criteria: GeneDx Variant Classification (06012015). Collection method: clinical testing. Allele origin: germline. Affected: yes.
Comment: This variant is considered likely benign or benign based on one or more of the following criteria: it is a conservative change, it occurs at a poorly conserved position in the protein, it is predicted to be benign by multiple in silico algorithms, and/or has population frequency not consistent with disease.

Breakthrough Genomics
Classification: Benign. Review status: criteria provided, single submitter. Criteria: ACMG Guidelines, 2015. Collection method: not provided. Allele origin: germline. Inheritance: Autosomal recessive inheritance. Affected: yes.